The following is an entry in ClinVar:

ClinVar aggregate classification (germline): Uncertain significance (1 of 4 stars; one submission).

Conditions:
Pitt-Hopkins syndrome (PTHS). Also called: ENCEPHALOPATHY, SEVERE EPILEPTIC, WITH AUTONOMIC DYSFUNCTION; MENTAL RETARDATION, SYNDROMAL, WITH INTERMITTENT HYPERVENTILATION. Identifiers: Orphanet 2896, MedGen C1970431, MONDO:0012589, OMIM 610954.

Allele frequency attached by ClinVar (database versions not stated): gnomAD 0.00001; ExAC 0.00002; TOPMed 0.00002.
gnomAD v4.1: 24 of 1,613,210 alleles (0.0015%); highest among the groups gnomAD compares: Non-Finnish European, 0.0019%; no homozygotes.

Submission:

Labcorp Genetics (formerly Invitae), Labcorp
Classification: Uncertain significance for Pitt-Hopkins syndrome. Last evaluated: 2023-08-16. Review status: criteria provided, single submitter. Criteria: Invitae Variant Classification Sherloc (09022015). Collection method: clinical testing. Allele origin: germline.
Comment: In summary, the available evidence is currently insufficient to determine the role of this variant in disease. Therefore, it has been classified as a Variant of Uncertain Significance. Advanced modeling of protein sequence and biophysical properties (such as structural, functional, and spatial information, amino acid conservation, physicochemical variation, residue mobility, and thermodynamic stability) performed at Invitae indicates that this missense variant is not expected to disrupt TCF4 protein function. This variant has not been reported in the literature in individuals affected with TCF4-related conditions. This variant is present in population databases (rs771784042, gnomAD 0.003%). This sequence change replaces threonine, which is neutral and polar, with alanine, which is neutral and non-polar, at codon 282 of the TCF4 protein (p.Thr282Ala).

NM_001083962.2(TCF4):c.844A>G (p.Thr282Ala)

Genes: TCF4 (transcription factor 4; minus strand), LOC126862757 (CDK7 strongly-dependent group 2 enhancer GRCh37_chr18:52936433-52937632; plus strand). Cytogenetic location: 18q21.2.
Variant type: single nucleotide variant.
Coding change: c.844A>G on transcript NM_001083962.2 (MANE Select); coding-DNA position 844, A replaced by G.
Protein change: p.Thr282Ala; replaces threonine 282 with alanine.
Molecular consequence: missense variant.
Genome position (GRCh38, 1-based): chr18:55,269,909, T>C on the plus strand (A>G on the coding strand, the complement: TCF4 is on the minus strand). VCF-style: chr18-55269909-T-C. GRCh37 (hg19) VCF-style: chr18-52937140-T-C.
Other names: c.1150A>G, p.Thr384Ala (NM_001243226.3); c.772A>G, p.Thr258Ala (NM_001243227.2, NM_001306207.1, NM_001369575.1 and 9 more transcripts); c.631A>G, p.Thr211Ala (NM_001243232.1, NM_001306208.1); c.454A>G, p.Thr152Ala (NM_001243233.2, NM_001330605.3, NM_001348212.2 and 1 more transcripts); c.364A>G, p.Thr122Ala (NM_001243234.2, NM_001243235.2, NM_001243236.2 and 2 more transcripts); c.844A>G, p.Thr282Ala (NM_001330604.3, NM_001369567.1, NM_001369568.1 and 4 more transcripts); c.718A>G, p.Thr240Ala (NM_001348211.2, NM_001243231.2); c.841A>G, p.Thr281Ala (NM_001369569.1, NM_001369570.1, NM_001369573.1); and 4 more; short protein forms T240A, T122A, T211A, T280A, T384A, T66A, T258A, T281A.
Identifiers: ClinVar variation 2900415 (VCV002900415.3), dbSNP rs771784042, ClinGen allele CA8970380.